The following is an entry in ClinVar:

NM_000057.4(BLM):c.1018G>A (p.Asp340Asn)

Gene: BLM (BLM RecQ like helicase; plus strand). Cytogenetic location: 15q26.1.
Variant type: single nucleotide variant.
Coding change: c.1018G>A on transcript NM_000057.4 (MANE Select); coding-DNA position 1018, G replaced by A.
Protein change: p.Asp340Asn; replaces aspartic acid 340 with asparagine.
Molecular consequence: missense variant. On other transcripts: 5 prime UTR variant (1).
Genome position (GRCh38, 1-based): chr15:90,754,869, G>A. VCF-style: chr15-90754869-G-A. GRCh37 (hg19) VCF-style: chr15-91298099-G-A.
Other names: c.1018G>A, p.Asp340Asn (NM_001287246.2, NM_001287247.2); c.-274G>A (NM_001287248.2); short protein forms D340N.
Identifiers: ClinVar variation 644910 (VCV000644910.9), dbSNP rs1596223836, ClinGen allele CA393842108.

ClinVar aggregate classification (germline): Uncertain significance (1 of 4 stars; one submission).

Conditions:
Bloom syndrome (BLM). Also called: Bloom-Torre-Machacek syndrome. Identifiers: Orphanet 125, MedGen C0005859, MONDO:0008876, OMIM 210900.

Submission:

Labcorp Genetics (formerly Invitae), Labcorp
Classification: Uncertain significance for Bloom syndrome. Last evaluated: 2024-05-06. Review status: criteria provided, single submitter. Criteria: Invitae Variant Classification Sherloc (09022015). Collection method: clinical testing. Allele origin: germline.
Comment: This sequence change replaces aspartic acid, which is acidic and polar, with asparagine, which is neutral and polar, at codon 340 of the BLM protein (p.Asp340Asn). This variant is not present in population databases (gnomAD no frequency). This variant has not been reported in the literature in individuals affected with BLM-related conditions. ClinVar contains an entry for this variant (Variation ID: 644910). Advanced modeling of protein sequence and biophysical properties (such as structural, functional, and spatial information, amino acid conservation, physicochemical variation, residue mobility, and thermodynamic stability) performed at Invitae indicates that this missense variant is not expected to disrupt BLM protein function with a negative predictive value of 80%. In summary, the available evidence is currently insufficient to determine the role of this variant in disease. Therefore, it has been classified as a Variant of Uncertain Significance.